The following is an entry in ClinVar:

ClinVar aggregate classification (germline): Benign (0 of 4 stars; one submission).

Conditions:
DNAH17-related disorder. Also called: DNAH17-related condition.

Allele frequency attached by ClinVar (database versions not stated): gnomAD exomes 0.00059; ExAC 0.00182; ESP Exome Variant Server 0.00476; gnomAD 0.00587; TOPMed 0.00609; 1000 Genomes Project 0.00839; 1000 Genomes Project 30x 0.00953.
gnomAD v4.1: 1,775 of 1,612,784 alleles (0.11%); highest among the groups gnomAD compares: African/African-American, 2%; 24 homozygotes.

Submission:

PreventionGenetics, part of Exact Sciences
Classification: Benign for DNAH17-related condition. Last evaluated: 2024-05-15. Review status: no assertion criteria provided. Collection method: clinical testing. Allele origin: germline.
Comment: This variant is classified as benign based on ACMG/AMP sequence variant interpretation guidelines (Richards et al. 2015 PMID: 25741868, with internal and published modifications).

NM_173628.4(DNAH17):c.15G>A (p.Pro5=)

Gene: DNAH17 (dynein axonemal heavy chain 17; minus strand). Cytogenetic location: 17q25.3.
Variant type: single nucleotide variant.
Coding change: c.15G>A on transcript NM_173628.4 (MANE Select); coding-DNA position 15, G replaced by A.
Protein change: p.Pro5=; no amino-acid change (proline 5 retained).
Molecular consequence: synonymous variant.
Genome position (GRCh38, 1-based): chr17:78,575,043, C>T on the plus strand (G>A on the coding strand, the complement: DNAH17 is on the minus strand). VCF-style: chr17-78575043-C-T. GRCh37 (hg19) VCF-style: chr17-76571125-C-T.
Identifiers: ClinVar variation 3035728 (VCV003035728.2), dbSNP rs61744340, ClinGen allele CA8805808.